The following is an entry in ClinVar:

NM_174936.4(PCSK9):c.1547G>A (p.Gly516Glu)

Gene: PCSK9 (proprotein convertase subtilisin/kexin type 9; plus strand). Cytogenetic location: 1p32.3.
Variant type: single nucleotide variant.
Coding change: c.1547G>A on transcript NM_174936.4 (MANE Select); coding-DNA position 1547, G replaced by A.
Protein change: p.Gly516Glu; replaces glycine 516 with glutamic acid.
Molecular consequence: missense variant.
Genome position (GRCh38, 1-based): chr1:55,059,529, G>A. VCF-style: chr1-55059529-G-A. GRCh37 (hg19) VCF-style: chr1-55525202-G-A.
Other names: c.1670G>A, p.Gly557Glu (NM_001407240.1); c.1589G>A, p.Gly530Glu (NM_001407241.1); c.1550G>A, p.Gly517Glu (NM_001407242.1); c.1490G>A, p.Gly497Glu (NM_001407243.1); c.1373G>A, p.Gly458Glu (NM_001407244.1); c.1355G>A, p.Gly452Glu (NM_001407245.1); c.1172G>A, p.Gly391Glu (NM_001407246.1); short protein forms G516E, G391E, G517E, G452E, G497E, G557E, G458E, G530E.
Identifiers: ClinVar variation 1698493 (VCV001698493.1), dbSNP rs891322948, ClinGen allele CA340479777.

ClinVar aggregate classification (germline): Uncertain significance (1 of 4 stars; one submission).

Submission:

Women's Health and Genetics/Laboratory Corporation of America, LabCorp
Classification: Uncertain significance. Last evaluated: 2022-06-06. Review status: criteria provided, single submitter. Criteria: LabCorp Variant Classification Summary - May 2015. Collection method: clinical testing. Allele origin: germline.
Comment: Variant summary: PCSK9 c.1547G>A (p.Gly516Glu) results in a non-conservative amino acid change in the encoded protein sequence. Two of four in-silico tools predict a benign effect of the variant on protein function. The variant was absent in 171640 control chromosomes. The available data on variant occurrences in the general population are insufficient to allow any conclusion about variant significance. To our knowledge, no occurrence of c.1547G>A in individuals affected with Familial Hypercholesterolemia and no experimental evidence demonstrating its impact on protein function have been reported. No clinical diagnostic laboratories have submitted clinical-significance assessments for this variant to ClinVar after 2014. Based on the evidence outlined above, the variant was classified as uncertain significance.